The following is an entry in ClinVar:

ClinVar aggregate classification (germline): Pathogenic/Likely pathogenic. Review status: criteria provided, multiple submitters, no conflicts (2 of 4 stars). 6 submissions from 6 submitters: Pathogenic (5); Likely pathogenic (1). Last evaluated 2025-08-13.

Conditions:
NF1-related disorder. Also called: NF1-related condition. Identifiers: MedGen CN379171.
Neurofibromatosis, type 1 (NF1). Also called: Neurofibromatosis, type I; Peripheral type neurofibromatosis; VON RECKLINGHAUSEN DISEASE; NEUROFIBROMATOSIS, TYPE I, SOMATIC. Identifiers: Orphanet 636, MedGen C0027831, MONDO:0018975, OMIM 162200. Disease mechanism: loss of function.

Submissions (6):

Labcorp Genetics (formerly Invitae), Labcorp
Classification: Pathogenic for Neurofibromatosis, type 1. Last evaluated: 2025-08-13. Review status: criteria provided, single submitter. Criteria: Invitae Variant Classification Sherloc (09022015). Collection method: clinical testing. Allele origin: germline.
Comment: This sequence change creates a premature translational stop signal (p.Lys480Asnfs*18) in the NF1 gene. It is expected to result in an absent or disrupted protein product. Loss-of-function variants in NF1 are known to be pathogenic (PMID: 10712197, 23913538). This variant is not present in population databases (gnomAD no frequency). This variant has not been reported in the literature in individuals affected with NF1-related conditions. ClinVar contains an entry for this variant (Variation ID: 996511). For these reasons, this variant has been classified as Pathogenic.

Blueprint Genetics
Classification: Likely pathogenic for NF1-related disorders. Last evaluated: 2024-03-19. Review status: criteria provided, single submitter. Criteria: ACMG Guidelines, 2015. Collection method: clinical testing. Allele origin: germline. Affected: yes. Observed: 1 variant allele.

Genome-Nilou Lab
Classification: Pathogenic for Neurofibromatosis, type 1. Last evaluated: 2022-03-15. Review status: criteria provided, single submitter. Criteria: ACMG Guidelines, 2015. Collection method: clinical testing. Allele origin: germline. Affected: no.

Athena Diagnostics
Classification: Pathogenic. Last evaluated: 2021-05-13. Review status: criteria provided, single submitter. Criteria: Athena Diagnostics Criteria. Collection method: clinical testing. Allele origin: unknown.
Comment: This variant is expected to result in the loss of a functional protein. This variant has not been reported in large, multi-ethnic general populations. This variant has been identified in at least one individual tested at Athena Diagnostics with clinical features associated with this gene.

Quest Diagnostics Nichols Institute San Juan Capistrano
Classification: Pathogenic. Last evaluated: 2021-05-13. Review status: criteria provided, single submitter. Criteria: Quest Diagnostics criteria. Collection method: clinical testing. Allele origin: unknown.
Comment: This frameshift variant alters the translational reading frame of the NF1 mRNA and causes the premature termination of NF1 protein synthesis. The variant has not been reported in individuals with NF1-related diseases in the published literature.

Genome Diagnostics Laboratory, The Hospital for Sick Children
Classification: Pathogenic for Neurofibromatosis, type 1. Last evaluated: 2020-10-26. Review status: criteria provided, single submitter. Criteria: ACMG Guidelines, 2015. Collection method: clinical testing. Allele origin: germline. Affected: yes.

Literature cited by the submitters: PubMed 10712197 (cited by Labcorp Genetics (formerly Invitae), Labcorp); PubMed 23913538 (cited by Labcorp Genetics (formerly Invitae), Labcorp).

NM_001042492.3(NF1):c.1440del (p.Lys480fs)

Gene: NF1 (neurofibromin 1; plus strand). Cytogenetic location: 17q11.2.
Variant type: Deletion.
Coding change: c.1440del on transcript NM_001042492.3 (MANE Select); coding-DNA position 1440, one base deleted (A; older notation c.1440delA).
Protein change: p.Lys480fs; shifts the reading frame from lysine 480.
Molecular consequence: frameshift variant.
Genome position (GRCh38, 1-based): chr17:31,214,498, A deleted; the last of 5 consecutive A bases (chr17:31,214,494-31,214,498); deleting any one gives the same sequence. VCF-style (leftmost placement, unchanged base first): chr17-31214493-GA-G. GRCh37 (hg19) VCF-style: chr17-29541511-GA-G.
Other names: c.1440delA, p.Lys480Asnfs (NM_000267.4); c.1440del, p.Lys480fs (NM_001128147.3); c.1440delA (NM_000267.3); short protein forms K480fs.
Identifiers: ClinVar variation 996511 (VCV000996511.12), dbSNP rs2066786100, ClinGen allele CA2255556383.